The following is an entry in ClinVar:

ClinVar aggregate classification (germline): Benign (1 of 4 stars; one submission).

Allele frequency attached by ClinVar (database versions not stated): 1000 Genomes Project 30x 0.00031; gnomAD 0.00092.

Submission:

CeGaT Center for Human Genetics Tuebingen
Classification: Benign. Last evaluated: 2025-01-01. Review status: criteria provided, single submitter. Criteria: CeGaT Center For Human Genetics Tuebingen Variant Classification Criteria Version 2. Collection method: clinical testing. Allele origin: germline. Affected: yes. Observed: 2 variant alleles.
Comment: NUTM2B-AS1: BS1, BS2

NC_000010.11:g.79723614G>A

Gene: NUTM2B-AS1 (NUTM2B antisense RNA 1; minus strand). Cytogenetic location: 10q22.3.
Variant type: single nucleotide variant.
Genome position: GRCh38 VCF-style: chr10-79723614-G-A. GRCh37 (hg19) VCF-style: chr10-81483370-G-A.
Identifiers: ClinVar variation 3026352 (VCV003026352.22), dbSNP rs1301160176, ClinGen allele CA594686649.
Genomic context (GRCh38, chr10:79,723,614, plus strand): 5'-CAACTAGCTCTTGGCCAGGTGAGGTGGCTCATGCTTGTAATCTCAACACCTTGGGAGGCT[G>A]AGGTGGGAGAATCTCTTCAGCCCAAGAGTTCAAGACCAGCCTAAAAAAAAAAAAAAAATC-3'